The following is an entry in ClinVar:

ClinVar aggregate classification (germline): Uncertain significance (1 of 4 stars; one submission).

Allele frequency attached by ClinVar (database versions not stated): gnomAD exomes below 0.00001; gnomAD 0.00001; TOPMed 0.00001.
gnomAD v4.1: 4 of 1,610,868 alleles (0.00025%); highest among the groups gnomAD compares: African/African-American, 0.0027%; no homozygotes.

Submission:

GeneDx
Classification: Uncertain significance. Last evaluated: 2022-10-13. Review status: criteria provided, single submitter. Criteria: GeneDx Variant Classification Process June 2021. Collection method: clinical testing. Allele origin: germline. Affected: yes.
Comment: In silico analysis supports that this missense variant has a deleterious effect on protein structure/function; Has not been previously published as pathogenic or benign to our knowledge; This variant is associated with the following publications: (PMID: 21520338, 9590290, 31554319)

NM_005422.4(TECTA):c.1610G>A (p.Cys537Tyr)

Genes: TBCEL-TECTA (TBCEL-TECTA readthrough; plus strand), TECTA (tectorin alpha; plus strand). Cytogenetic location: 11q23.3.
Variant type: single nucleotide variant.
Coding change: c.1610G>A on transcript NM_005422.4 (MANE Select); coding-DNA position 1610, G replaced by A.
Protein change: p.Cys537Tyr; replaces cysteine 537 with tyrosine.
Molecular consequence: missense variant.
Genome position (GRCh38, 1-based): chr11:121,125,708, G>A. VCF-style: chr11-121125708-G-A. GRCh37 (hg19) VCF-style: chr11-120996417-G-A.
Other names: c.2567G>A, p.Cys856Tyr (NM_001378761.1); short protein forms C537Y, C856Y.
Identifiers: ClinVar variation 2499347 (VCV002499347.1), dbSNP rs923075739, ClinGen allele CA229812048.